The following is an entry in ClinVar:

ClinVar aggregate classification (germline): Uncertain significance. Review status: criteria provided, multiple submitters, no conflicts (2 of 4 stars). 2 submissions from 2 submitters: Uncertain significance (2). Last evaluated 2025-04-10.

Conditions:
Spastic paraplegia. Identifiers: MedGen C0037772, HP:0001258.
Inborn genetic diseases. Identifiers: MedGen C0950123, MeSH D030342.

Allele frequency attached by ClinVar (database versions not stated): ExAC 0.00001; gnomAD exomes 0.00002 and 0.00007; TOPMed 0.00011; gnomAD 0.00013 and 0.00014.

Submissions (2):

Ambry Genetics
Classification: Uncertain significance for Inborn genetic diseases. Last evaluated: 2025-04-10. Review status: criteria provided, single submitter. Criteria: Ambry Variant Classification Scheme 2023. Collection method: clinical testing. Allele origin: germline.

Labcorp Genetics (formerly Invitae), Labcorp
Classification: Uncertain significance for Spastic paraplegia. Last evaluated: 2022-07-27. Review status: criteria provided, single submitter. Criteria: Invitae Variant Classification Sherloc (09022015). Collection method: clinical testing. Allele origin: germline.
Comment: This sequence change replaces proline, which is neutral and non-polar, with leucine, which is neutral and non-polar, at codon 172 of the CYP2U1 protein (p.Pro172Leu). This variant is present in population databases (rs751459304, gnomAD 0.05%). This variant has not been reported in the literature in individuals affected with CYP2U1-related conditions. ClinVar contains an entry for this variant (Variation ID: 242189). Advanced modeling of protein sequence and biophysical properties (such as structural, functional, and spatial information, amino acid conservation, physicochemical variation, residue mobility, and thermodynamic stability) performed at Invitae indicates that this missense variant is not expected to disrupt CYP2U1 protein function. In summary, the available evidence is currently insufficient to determine the role of this variant in disease. Therefore, it has been classified as a Variant of Uncertain Significance.

NM_183075.3(CYP2U1):c.515C>T (p.Pro172Leu)

Gene: CYP2U1 (cytochrome P450 family 2 subfamily U member 1; plus strand). Cytogenetic location: 4q25.
Variant type: single nucleotide variant.
Coding change: c.515C>T on transcript NM_183075.3 (MANE Select); coding-DNA position 515, C replaced by T.
Protein change: p.Pro172Leu; replaces proline 172 with leucine.
Molecular consequence: missense variant.
Genome position (GRCh38, 1-based): chr4:107,944,994, C>T. VCF-style: chr4-107944994-C-T. GRCh37 (hg19) VCF-style: chr4-108866150-C-T.
Other names: short protein forms P172L.
Identifiers: ClinVar variation 242189 (VCV000242189.3), dbSNP rs751459304, ClinGen allele CA3037020.